The following is an entry in ClinVar:

ClinVar aggregate classification (germline): Uncertain significance. Review status: criteria provided, multiple submitters, no conflicts (2 of 4 stars). 7 submissions from 7 submitters: Uncertain significance (7). Last evaluated 2026-01-13.

Conditions:
Marfan syndrome (MFS). Also called: Marfan syndrome type 1; Marfan's syndrome; Marfan syndrome, classic; MARFAN SYNDROME, TYPE I; FBN1-Related Marfan Syndrome. Identifiers: Orphanet 284963, Orphanet 558, MedGen C0024796, MONDO:0007947, OMIM 154700.
Geleophysic dysplasia 2 (GPHYSD2). Identifiers: Orphanet 2623, MedGen C3280054, MONDO:0013612, OMIM 614185.
Progeroid and marfanoid aspect-lipodystrophy syndrome. Also called: MARFANOID-PROGEROID-LIPODYSTROPHY SYNDROME; MARFANOID-PROGEROID SYNDROME; MARFAN-PROGEROID-LIPODYSTROPHY SYNDROME; Marfan lipodystrophy syndrome. Identifiers: Orphanet 300382, MedGen C4310796, MONDO:0014831, OMIM 616914.
Ectopia lentis 1, isolated, autosomal dominant (ECTOL1). Identifiers: Orphanet 1885, MedGen C3541518, MONDO:0007514, OMIM 129600.
Stiff skin syndrome (SSKS). Identifiers: Orphanet 2833, MedGen C1861456, MONDO:0008492, OMIM 184900.
Acromicric dysplasia (ACMICD). Also called: Acromicric skeletal dysplasia. Identifiers: Orphanet 969, MedGen C0265287, MONDO:0007055, OMIM 102370.
MASS syndrome (OCTD). Also called: MASS PHENOTYPE; OVERLAP CONNECTIVE TISSUE DISEASE. Identifiers: MedGen C1858556, MONDO:0011431, OMIM 604308.
Weill-Marchesani syndrome 2, dominant. Also called: Weill-Marchesani Syndrome, Autosomal Dominant; FBN1-Related Weill-Marchesani Syndrome. Identifiers: Orphanet 2084, MedGen C1869115, MONDO:0012013, OMIM 608328.
Familial thoracic aortic aneurysm and aortic dissection (TAAD). Also called: Thoracic aortic aneurysms and dissections. Identifiers: Orphanet 91387, MedGen C4707243, MONDO:0019625.
FBN1-related disorder. Also called: FBN1-related disorders.

Allele frequency attached by ClinVar (database versions not stated): gnomAD 0.00001.
gnomAD v4.1: 7 of 1,596,568 alleles (0.00044%); highest among the groups gnomAD compares: South Asian, 0.0011%; no homozygotes.

Submissions (7):

Labcorp Genetics (formerly Invitae), Labcorp
Classification: Uncertain significance for Marfan syndrome; Familial thoracic aortic aneurysm and aortic dissection. Last evaluated: 2026-01-13. Review status: criteria provided, single submitter. Criteria: Invitae Variant Classification Sherloc (09022015). Collection method: clinical testing. Allele origin: germline.
Comment: This sequence change falls in intron 5 of the FBN1 gene. It does not directly change the encoded amino acid sequence of the FBN1 protein. It affects a nucleotide within the consensus splice site. This variant is not present in population databases (gnomAD no frequency). This variant has not been reported in the literature in individuals affected with FBN1-related conditions. ClinVar contains an entry for this variant (Variation ID: 1171204). Variants that disrupt the consensus splice site are a relatively common cause of aberrant splicing (PMID: 17576681, 9536098). Algorithms developed to predict the effect of sequence changes on RNA splicing suggest that this variant may disrupt the consensus splice site. In summary, the available evidence is currently insufficient to determine the role of this variant in disease. Therefore, it has been classified as a Variant of Uncertain Significance.

Ambry Genetics
Classification: Uncertain significance for Familial thoracic aortic aneurysm and aortic dissection. Last evaluated: 2025-05-16. Review status: criteria provided, single submitter. Criteria: Ambry Variant Classification Scheme 2023. Collection method: clinical testing. Allele origin: germline.
Comment: The c.442+4A>C intronic variant results from an A to C substitution 4 nucleotides after coding exon 4 in the FBN1 gene. This nucleotide position is highly conserved in available vertebrate species. In silico splice site analysis predicts that this alteration will weaken the native splice donor site. Based on the available evidence, the clinical significance of this variant remains unclear.

GeneDx
Classification: Uncertain significance. Last evaluated: 2025-05-16. Review status: criteria provided, single submitter. Criteria: GeneDx Variant Classification Process June 2021. Collection method: clinical testing. Allele origin: germline. Affected: yes.
Comment: Not observed at significant frequency in large population cohorts (gnomAD); In silico analysis supports a deleterious effect on splicing; Has not been previously published as pathogenic or benign to our knowledge

All of Us Research Program, National Institutes of Health
Classification: Uncertain significance for Marfan syndrome. Last evaluated: 2024-05-30. Review status: criteria provided, single submitter. Criteria: ACMG Guidelines, 2015. Collection method: clinical testing. Allele origin: germline. Inheritance: Autosomal dominant inheritance. Observed: 5 variant alleles, 5 heterozygotes.
Comment: This variant causes an A to C nucleotide substitution at the +4 position of intron 5 of the FBN1 gene. Splice site prediction tools are inconclusive regarding the impact of this variant on RNA splicing. To our knowledge, functional studies have not been reported for this variant. This variant has not been reported in individuals affected with FBN1-related disorders in the literature. This variant has not been identified in the general population by the Genome Aggregation Database (gnomAD). The available evidence is insufficient to determine the role of this variant in disease conclusively. Therefore, this variant is classified as a Variant of Uncertain Significance.

This study involves interpretation of variants in research participants for the purpose of population health screening. Participant phenotype was not available at the time of variant classification. Additional details can be found in publication PMID: 35346344, PMCID: PMC8962531

Color Diagnostics, LLC DBA Color Health
Classification: Uncertain significance for Familial thoracic aortic aneurysm and aortic dissection. Last evaluated: 2024-05-11. Review status: criteria provided, single submitter. Criteria: ACMG Guidelines, 2015. Collection method: clinical testing. Allele origin: germline.
Comment: This variant causes an A to C nucleotide substitution at the +4 position of intron 5 of the FBN1 gene. Splice site prediction tools are inconclusive regarding the impact of this variant on RNA splicing. To our knowledge, functional studies have not been reported for this variant. This variant has not been reported in individuals affected with FBN1-related disorders in the literature. This variant has not been identified in the general population by the Genome Aggregation Database (gnomAD). The available evidence is insufficient to determine the role of this variant in disease conclusively. Therefore, this variant is classified as a Variant of Uncertain Significance.

PreventionGenetics, part of Exact Sciences
Classification: Uncertain significance for FBN1-related condition. Last evaluated: 2022-11-07. Review status: criteria provided, single submitter. Criteria: ACMG Guidelines, 2015. Collection method: clinical testing. Allele origin: germline.
Comment: The FBN1 c.442+4A>C variant is predicted to interfere with splicing. To our knowledge, this variant has not been reported in the literature or in a large population database, indicating this variant is rare. At this time, the clinical significance of this variant is uncertain due to the absence of conclusive functional and genetic evidence.

Fulgent Genetics
Classification: Uncertain significance for Acromicric dysplasia; Ectopia lentis 1, isolated, autosomal dominant; Marfan syndrome; Stiff skin syndrome; MASS syndrome; Weill-Marchesani syndrome 2, dominant; Geleophysic dysplasia 2; Progeroid and marfanoid aspect-lipodystrophy syndrome. Last evaluated: 2021-11-18. Review status: criteria provided, single submitter. Criteria: ACMG Guidelines, 2015. Collection method: clinical testing. Allele origin: unknown.

Literature cited by the submitters: PubMed 17576681 (cited by Labcorp Genetics (formerly Invitae), Labcorp); PubMed 9536098 (cited by Labcorp Genetics (formerly Invitae), Labcorp).

NM_000138.5(FBN1):c.442+4A>C

Gene: FBN1 (fibrillin 1; minus strand). Cytogenetic location: 15q21.1.
Variant type: single nucleotide variant.
Coding change: c.442+4A>C on transcript NM_000138.5 (MANE Select); 4 bases into the intron after coding-DNA position 442, A replaced by C.
Molecular consequence: intron variant.
Genome position (GRCh38, 1-based): chr15:48,600,135, T>G on the plus strand (A>C on the coding strand, the complement: FBN1 is on the minus strand). VCF-style: chr15-48600135-T-G. GRCh37 (hg19) VCF-style: chr15-48892332-T-G.
Identifiers: ClinVar variation 1171204 (VCV001171204.16), dbSNP rs768207411, ClinGen allele CA2499223019.